The following is an entry in ClinVar:

ClinVar aggregate classification (germline): Pathogenic/Likely pathogenic. Review status: criteria provided, multiple submitters, no conflicts (2 of 4 stars). 3 submissions from 3 submitters: Pathogenic (1); Likely pathogenic (2). Last evaluated 2023-08-08.

Conditions:
Muscular dystrophy-dystroglycanopathy (congenital with brain and eye anomalies), type A3. Also called: Congenital muscular dystrophy-dystroglycanopathy with brain and eye anomalies, type A3; WALKER-WARBURG SYNDROME OR MUSCLE-EYE-BRAIN DISEASE, POMGNT1-RELATED; Muscular dystrophy-dystroglycanopathy (congenital with brain and eye anomalies), type A, 3. Identifiers: MedGen C3151519, MONDO:0009667, OMIM 253280.
POMGNT1-related disorder. Also called: POMGNT1-related condition; POMGNT1-related disorders. Identifiers: MedGen CN239299.
Autosomal recessive limb-girdle muscular dystrophy type 2O. Also called: MUSCULAR DYSTROPHY-DYSTROGLYCANOPATHY (LIMB-GIRDLE), TYPE C, 3; Limb-Girdle Muscular Dystrophy Type 3C; MUSCULAR DYSTROPHY-DYSTROGLYCANOPATHY, LIMB-GIRDLE, POMGNT1-RELATED. Identifiers: Orphanet 206564, MedGen C3150417, MONDO:0013161, OMIM 613157.
Muscular dystrophy-dystroglycanopathy (congenital with impaired intellectual development), type B, 3. Also called: Muscular dystrophy-dystroglycanopathy (congenital with intellectual disability), type B3; MUSCULAR DYSTROPHY, CONGENITAL, POMGNT1-RELATED. Identifiers: MedGen C3150412, MONDO:0013155, OMIM 613151.

Allele frequency attached by ClinVar (database versions not stated): gnomAD exomes below 0.00001; gnomAD 0.00001.
gnomAD v4.1: 2 of 1,613,750 alleles (0.00012%); highest among the groups gnomAD compares: Admixed American, 0.0017%; no homozygotes.

Submissions (3):

Labcorp Genetics (formerly Invitae), Labcorp
Classification: Likely pathogenic for Autosomal recessive limb-girdle muscular dystrophy type 2O; Muscular dystrophy-dystroglycanopathy (congenital with impaired intellectual development), type B, 3. Last evaluated: 2023-08-08. Review status: criteria provided, single submitter. Criteria: Invitae Variant Classification Sherloc (09022015). Collection method: clinical testing. Allele origin: germline.
Comment: This sequence change affects a donor splice site in intron 12 of the POMGNT1 gene. It is expected to disrupt RNA splicing. Variants that disrupt the donor or acceptor splice site typically lead to a loss of protein function (PMID: 16199547), and loss-of-function variants in POMGNT1 are known to be pathogenic (PMID: 19299310, 20816175, 21447391, 26908613, 27391550). ClinVar contains an entry for this variant (Variation ID: 1066260). This variant is not present in population databases (gnomAD no frequency). This variant has not been reported in the literature in individuals affected with POMGNT1-related conditions. In summary, the currently available evidence indicates that the variant is pathogenic, but additional data are needed to prove that conclusively. Therefore, this variant has been classified as Likely Pathogenic. Algorithms developed to predict the effect of sequence changes on RNA splicing suggest that this variant may disrupt the consensus splice site.

Baylor Genetics
Classification: Likely pathogenic for Muscular dystrophy-dystroglycanopathy (congenital with brain and eye anomalies), type A3. Last evaluated: 2023-05-23. Review status: criteria provided, single submitter. Criteria: ACMG Guidelines, 2015. Collection method: clinical testing. Allele origin: unknown.

PreventionGenetics, part of Exact Sciences
Classification: Pathogenic for POMGNT1-related condition. Last evaluated: 2022-12-08. Review status: criteria provided, single submitter. Criteria: ACMG Guidelines, 2015. Collection method: clinical testing. Allele origin: germline.
Comment: The POMGNT1 c.1110+1G>A variant is predicted to disrupt the GT donor site and interfere with normal splicing. To our knowledge, this variant has not been reported in the literature or in a large population database, indicating this variant is rare. Variants that disrupt the consensus splice donor site in POMGNT1 are expected to be pathogenic. This variant is interpreted as pathogenic.

Literature cited by the submitters: PubMed 16199547 (cited by Labcorp Genetics (formerly Invitae), Labcorp); PubMed 19299310 (cited by Labcorp Genetics (formerly Invitae), Labcorp); PubMed 20816175 (cited by Labcorp Genetics (formerly Invitae), Labcorp); PubMed 21447391 (cited by Labcorp Genetics (formerly Invitae), Labcorp); PubMed 26908613 (cited by Labcorp Genetics (formerly Invitae), Labcorp); PubMed 27391550 (cited by Labcorp Genetics (formerly Invitae), Labcorp).

NM_017739.4(POMGNT1):c.1110+1G>A

Genes: POMGNT1 (protein O-linked mannose N-acetylglucosaminyltransferase 1 (beta 1,2-); minus strand), TSPAN1 (tetraspanin 1; plus strand). Cytogenetic location: 1p34.1.
Variant type: single nucleotide variant.
Coding change: c.1110+1G>A on transcript NM_017739.4 (MANE Select); the canonical splice donor site of the intron after coding-DNA position 1110, G replaced by A.
Molecular consequence: splice donor variant.
Genome position (GRCh38, 1-based): chr1:46,193,304, C>T on the plus strand (G>A on the coding strand, the complement: POMGNT1 is on the minus strand). VCF-style: chr1-46193304-C-T. GRCh37 (hg19) VCF-style: chr1-46658976-C-T.
Other names: c.1110+1G>A (NM_001243766.2, NM_001438686.1, NM_001438688.1 and 3 more transcripts); c.1044+1G>A (NM_001290129.3, NM_001438691.1, NM_001438692.1); c.681+1G>A (NM_001290130.2).
Identifiers: ClinVar variation 1066260 (VCV001066260.9), dbSNP rs1657940058, ClinGen allele CA340179685.
Genomic context (GRCh38, chr1:46,193,304, plus strand): 5'-GAGCTTTAGGGTAGAAGGCAGAGCCAGGTGTCTGCCCCATCCCCACTTGCCTATGCAGTA[C>T]CTGAGACACGCGGGCATTCTTGATGCTGATGGGAGTATGCTGGATGCCCCTCAGACCAAA-3'